The following is an entry in ClinVar:

NM_170606.3(KMT2C):c.6140_6144del (p.Met2047fs)

Gene: KMT2C (lysine methyltransferase 2C; minus strand). Cytogenetic location: 7q36.1.
Variant type: Deletion.
Coding change: c.6140_6144del on transcript NM_170606.3 (MANE Select); coding-DNA positions 6140 to 6144, 5 bases deleted (TGCAA; older notation c.6140_6144delTGCAA).
Protein change: p.Met2047fs; shifts the reading frame from methionine 2047.
Molecular consequence: frameshift variant.
Genome position (GRCh38, 1-based): chr7:152,181,716-152,181,720, TTGCA deleted on the plus strand (TGCAA on the coding strand, the reverse complement: KMT2C is on the minus strand); deleting any 5 consecutive bases within chr7:152,181,716-152,181,723 gives the same sequence; the c. name uses the placement nearest the transcript's 3' end. VCF-style (leftmost placement, unchanged base first): chr7-152181715-GTTGCA-G. GRCh37 (hg19) VCF-style: chr7-151878800-GTTGCA-G.
Other names: short protein forms M2047fs.
Identifiers: ClinVar variation 3356540 (VCV003356540.1).

ClinVar aggregate classification (germline): Uncertain significance (0 of 4 stars; one submission).

Conditions:
KMT2C-related disorder. Also called: KMT2C-related disorders; KMT2C-related condition.

Submission:

PreventionGenetics, part of Exact Sciences
Classification: Uncertain significance for KMT2C-related condition. Last evaluated: 2024-03-11. Review status: no assertion criteria provided. Collection method: clinical testing. Allele origin: germline.
Comment: The KMT2C c.6140_6144del5 variant is predicted to result in a frameshift and premature protein termination (p.Met2047Thrfs*22). To our knowledge, this variant has not been reported in the literature or in a large population database, indicating this variant is rare. Although we suspect that this variant may be pathogenic, at this time, the clinical significance of this variant is uncertain due to the absence of conclusive functional and genetic evidence.